The following is an entry in ClinVar:

ClinVar aggregate classification (germline): Uncertain significance. Review status: criteria provided, multiple submitters, no conflicts (2 of 4 stars). 2 submissions from 2 submitters: Uncertain significance (2). Last evaluated 2022-08-01.

Conditions:
Developmental and epileptic encephalopathy. Identifiers: MedGen C5779964, MONDO:0100620.
Inborn genetic diseases. Identifiers: MedGen C0950123, MeSH D030342.

Allele frequency attached by ClinVar (database versions not stated): gnomAD 0.00001; TOPMed 0.00008.

Submissions (2):

Labcorp Genetics (formerly Invitae), Labcorp
Classification: Uncertain significance for Early-infantile DEE. Last evaluated: 2022-08-01. Review status: criteria provided, single submitter. Criteria: Invitae Variant Classification Sherloc (09022015). Collection method: clinical testing. Allele origin: germline.
Comment: This sequence change replaces arginine, which is basic and polar, with histidine, which is basic and polar, at codon 149 of the CACNA2D2 protein (p.Arg149His). This variant is present in population databases (rs767037942, gnomAD 0.009%). This variant has not been reported in the literature in individuals affected with CACNA2D2-related conditions. ClinVar contains an entry for this variant (Variation ID: 859895). Algorithms developed to predict the effect of missense changes on protein structure and function output the following: SIFT: "Deleterious"; PolyPhen-2: "Benign"; Align-GVGD: "Class C0". The histidine amino acid residue is found in multiple mammalian species, which suggests that this missense change does not adversely affect protein function. In summary, the available evidence is currently insufficient to determine the role of this variant in disease. Therefore, it has been classified as a Variant of Uncertain Significance.

Ambry Genetics
Classification: Uncertain significance for Inborn genetic diseases. Last evaluated: 2021-08-30. Review status: criteria provided, single submitter. Criteria: Ambry Variant Classification Scheme 2023. Collection method: clinical testing. Allele origin: germline.

NM_006030.4(CACNA2D2):c.446G>A (p.Arg149His)

Gene: CACNA2D2 (calcium voltage-gated channel auxiliary subunit alpha2delta 2; minus strand). Cytogenetic location: 3p21.31.
Variant type: single nucleotide variant.
Coding change: c.446G>A on transcript NM_006030.4 (MANE Select); coding-DNA position 446, G replaced by A.
Protein change: p.Arg149His; replaces arginine 149 with histidine.
Molecular consequence: missense variant.
Genome position (GRCh38, 1-based): chr3:50,394,128, C>T on the plus strand (G>A on the coding strand, the complement: CACNA2D2 is on the minus strand). VCF-style: chr3-50394128-C-T. GRCh37 (hg19) VCF-style: chr3-50431559-C-T.
Other names: c.446G>A, p.Arg149His (NM_001005505.3, NM_001174051.3); c.239G>A, p.Arg80His (NM_001291101.1); c.446G>A (NM_001174051.1); short protein forms R149H, R80H.
Identifiers: ClinVar variation 859895 (VCV000859895.5), dbSNP rs767037942, ClinGen allele CA2419203.